The following is an entry in ClinVar:

ClinVar aggregate classification (germline): Conflicting classifications of pathogenicity. Review status: criteria provided, conflicting classifications (1 of 4 stars). 9 submissions from 9 submitters: Uncertain significance (6); Likely benign (3). Last evaluated 2025-10-20.

Conditions:
Hereditary breast ovarian cancer syndrome. Also called: Hereditary breast and ovarian cancer syndrome (HBOC); BRCA1- and BRCA2-Associated Hereditary Breast and Ovarian Cancer; Hereditary breast and/or ovarian cancer syndrome; Hereditary breast and ovarian cancer syndrome; Hereditary breast and ovarian cancer; Breast and ovarian cancer. Identifiers: Orphanet 145, MedGen C0677776, MeSH D061325, MONDO:0003582. Disease mechanism: loss of function.
Hereditary cancer-predisposing syndrome. Also called: Neoplastic Syndromes, Hereditary; Hereditary neoplastic syndrome; Tumor predisposition; Hereditary Cancer Syndrome. Identifiers: Orphanet 140162, MedGen C0027672, MeSH D009386, MONDO:0015356.
Familial cancer of breast. Also called: hereditary breast carcinoma; BREAST CANCER, FAMILIAL; Hereditary breast cancer. Identifiers: Orphanet 227535, MedGen C0346153, MONDO:0016419, OMIM 114480. Disease mechanism: loss of function.
Fanconi anemia, complementation group S (FANCS). Identifiers: MedGen C4554406, MONDO:0054748, OMIM 617883.
Breast-ovarian cancer, familial, susceptibility to, 1 (BROVCA1). Also called: BRCA1 Hereditary Breast and Ovarian Cancer; OVARIAN CANCER, SUSCEPTIBILITY TO. Identifiers: Orphanet 145, MedGen C2676676, MONDO:0011450, OMIM 604370. Disease mechanism: loss of function.

gnomAD v4.1: 5 of 1,613,400 alleles (0.00031%); highest among the groups gnomAD compares: Non-Finnish European, 0.00042%; no homozygotes.

Submissions (9):

Myriad Genetics, Inc.
Classification: Likely benign for Breast-ovarian cancer, familial, susceptibility to, 1. Last evaluated: 2025-10-20. Review status: criteria provided, single submitter. Criteria: Myriad Autosomal Dominant, Autosomal Recessive and X-Linked Classification Criteria (2023). Collection method: clinical testing. Allele origin: unknown.
Comment: This variant is considered likely benign. This variant is strongly associated with less severe personal and family histories of cancer, typical for individuals without pathogenic variants in this gene [PMID: 25085752].

Labcorp Genetics (formerly Invitae), Labcorp
Classification: Likely benign for Hereditary breast ovarian cancer syndrome. Last evaluated: 2025-10-03. Review status: criteria provided, single submitter. Criteria: Invitae Variant Classification Sherloc (09022015). Collection method: clinical testing. Allele origin: germline.

Color Diagnostics, LLC DBA Color Health
Classification: Uncertain significance for Hereditary cancer-predisposing syndrome. Last evaluated: 2025-09-30. Review status: criteria provided, single submitter. Criteria: ACMG Guidelines, 2015. Collection method: clinical testing. Allele origin: germline.
Comment: This missense variant replaces threonine with arginine at codon 1349 of the BRCA1 protein. Computational prediction is inconclusive regarding the impact of this variant on protein structure and function. To our knowledge, functional studies have not been reported for this variant. This variant has been reported in an individual affected with breast and/or ovarian cancer (PMID: 17262179). Multifactorial analysis on clinical data has reached a combined likelihood ratio (LR) of 0.17 from published LR for 1 carrier (PMID: 31131967). This variant has been identified in 5/1613400 chromosomes in the general population by the Genome Aggregation Database (gnomAD v4). The available evidence is insufficient to determine the role of this variant in disease conclusively. Therefore, this variant is classified as a Variant of Uncertain Significance.

Ambry Genetics
Classification: Uncertain significance for Hereditary cancer-predisposing syndrome. Last evaluated: 2023-09-11. Review status: criteria provided, single submitter. Criteria: Ambry Variant Classification Scheme 2023. Collection method: clinical testing. Allele origin: germline.
Comment: The p.T1349R variant (also known as c.4046C>G), located in coding exon 9 of the BRCA1 gene, results from a C to G substitution at nucleotide position 4046. The threonine at codon 1349 is replaced by arginine, an amino acid with similar properties. This amino acid position is not well conserved in available vertebrate species. In addition, the in silico prediction for this alteration is inconclusive. Since supporting evidence is limited at this time, the clinical significance of this alteration remains unclear.

University of Washington Department of Laboratory Medicine, University of Washington
Classification: Likely benign for Hereditary cancer-predisposing syndrome. Last evaluated: 2023-03-23. Review status: criteria provided, single submitter. Criteria: Dines et al. (Genet Med. 2020). Collection method: curation. Allele origin: germline.
Comment: Missense variant in a coldspot region where missense variants are very unlikely to be pathogenic (PMID:31911673).

BRCA1 coldspot (exon 11 using historical exon numbering). Reclassification based on statistical prior probability

Department of Pathology and Laboratory Medicine, Sinai Health System
Classification: Uncertain significance for Familial cancer of breast; Breast-ovarian cancer, familial, susceptibility to, 1; Fanconi anemia, complementation group S. Last evaluated: 2022-09-28. Review status: criteria provided, single submitter. Criteria: ACMG Guidelines, 2015. Collection method: clinical testing. Allele origin: germline. Affected: yes.

Genetic Services Laboratory, University of Chicago
Classification: Uncertain significance. Last evaluated: 2021-04-01. Review status: criteria provided, single submitter. Criteria: ACMG Guidelines, 2015. Collection method: clinical testing. Allele origin: germline. Affected: no.
Comment: DNA sequence analysis of the BRCA1 gene demonstrated a sequence change, c.4046C>G, in exon 10 that results in an amino acid change, p.Thr1349Arg. This sequence change has been previously described in one individual with breast/ovarian cancer (PMID: 17262179). This sequence change is absent in the gnomAD population database. The p.Thr1349Arg change affects a moderately conserved amino acid residue located in a domain of the BRCA1 protein that is known to be functional. In-silico pathogenicity prediction tools (SIFT, PolyPhen2, Align GVGD, REVEL) provide contradictory results for the p.Thr1349Arg substitution. Due to these contrasting evidences and the lack of functional studies, the clinical significance of the p.Thr1349Arg change remains unknown at this time.

GeneDx
Classification: Uncertain significance. Last evaluated: 2020-09-17. Review status: criteria provided, single submitter. Criteria: GeneDx Variant Classification Process June 2021. Collection method: clinical testing. Allele origin: germline. Affected: yes.
Comment: Not observed in large population cohorts (Lek 2016); In silico analysis supports that this missense variant does not alter protein structure/function; This variant is associated with the following publications: (PMID: 19320659, 29937436, 17262179, 26913838, 23893897, 18273839, 20054658)

Quest Diagnostics Nichols Institute San Juan Capistrano
Classification: Uncertain significance. Last evaluated: 2019-12-22. Review status: criteria provided, single submitter. Criteria: Quest Diagnostics criteria. Collection method: clinical testing. Allele origin: unknown.

Literature cited by the submitters: PubMed 25085752 (cited by Myriad Genetics, Inc.); PubMed 17262179 (cited by Color Diagnostics, LLC DBA Color Health and Quest Diagnostics Nichols Institute San Juan Capistrano); PubMed 31131967 (cited by Color Diagnostics, LLC DBA Color Health); PubMed 20054658 (cited by 3 submitters).

NM_007294.4(BRCA1):c.4046C>G (p.Thr1349Arg)

Genes: BRCA1 (BRCA1 DNA repair associated; minus strand), LOC126862571 (BRD4-independent group 4 enhancer GRCh37_chr17:41243136-41244335; plus strand). Cytogenetic location: 17q21.31.
Variant type: single nucleotide variant.
Coding change: c.4046C>G on transcript NM_007294.4 (MANE Select); coding-DNA position 4046, C replaced by G.
Protein change: p.Thr1349Arg; replaces threonine 1349 with arginine.
Molecular consequence: missense variant. On other transcripts: intron variant (135).
Genome position (GRCh38, 1-based): chr17:43,091,485, G>C on the plus strand (C>G on the coding strand, the complement: BRCA1 is on the minus strand). VCF-style: chr17-43091485-G-C. GRCh37 (hg19) VCF-style: chr17-41243502-G-C.
Other names: c.3833C>G, p.Thr1278Arg (NM_001407571.1, NM_001407853.1, NM_001407894.1 and 9 more transcripts); c.4046C>G, p.Thr1349Arg (NM_001407581.1, NM_001407582.1, NM_001407583.1 and 30 more transcripts); c.4043C>G, p.Thr1348Arg (NM_001407587.1, NM_001407590.1, NM_001407591.1 and 22 more transcripts); c.4037C>G, p.Thr1346Arg (NM_001407646.1, NM_001407647.1); c.3923C>G, p.Thr1308Arg (NM_001407648.1, NM_001407664.1, NM_001407665.1 and 19 more transcripts); c.3920C>G, p.Thr1307Arg (NM_001407649.1, NM_001407670.1, NM_001407671.1 and 11 more transcripts); c.3968C>G, p.Thr1323Arg (NM_001407653.1, NM_001407654.1, NM_001407655.1 and 4 more transcripts); c.3965C>G, p.Thr1322Arg (NM_001407659.1, NM_001407660.1, NM_001407661.1 and 1 more transcripts); and 41 more; short protein forms T1349R, T1302R, T1238R, T1279R, T1282R, T1307R, T1221R, T1237R.
Identifiers: ClinVar variation 462629 (VCV000462629.31), dbSNP rs80357345, ClinGen allele CA10593867.